The following is an entry in ClinVar:

NM_001098426.2(SMARCD2):c.217-1047C>G

Gene: SMARCD2 (SWI/SNF related BAF chromatin remodeling complex subunit D2; minus strand). Cytogenetic location: 17q23.3.
Variant type: single nucleotide variant.
Coding change: c.217-1047C>G on transcript NM_001098426.2 (MANE Select); 1047 bases into the intron before coding-DNA position 217, C replaced by G.
Molecular consequence: intron variant. On other transcripts: missense variant (1).
Genome position (GRCh38, 1-based): chr17:63,838,672, G>C on the plus strand (C>G on the coding strand, the complement: SMARCD2 is on the minus strand). VCF-style: chr17-63838672-G-C. GRCh37 (hg19) VCF-style: chr17-61916032-G-C.
Other names: c.10C>G, p.Arg4Gly (NM_001330440.2); c.-9-1047C>G (NM_001330439.1); c.10C>G (NM_001330440.1); short protein forms R4G.
Identifiers: ClinVar variation 3341567 (VCV003341567.17).

ClinVar aggregate classification (germline): Likely benign. Review status: criteria provided, multiple submitters, no conflicts (2 of 4 stars). 3 submissions from 3 submitters: Likely benign (2). 1 of the submissions does not count toward it. Last evaluated 2026-09-01.

Conditions:
SMARCD2-related disorder. Also called: SMARCD2-related condition.

Submissions (3):

CeGaT Center for Human Genetics Tuebingen
Classification: Likely benign. Last evaluated: 2026-09-01. Review status: criteria provided, single submitter. Criteria: CeGaT Center For Human Genetics Tuebingen Variant Classification Criteria Version 2. Collection method: clinical testing. Allele origin: germline. Affected: yes. Observed: 6 variant alleles.
Comment: SMARCD2: BP4, BS2

Blueprint Genetics
Classification: Likely benign. Last evaluated: 2024-11-25. Review status: criteria provided, single submitter. Criteria: ACMG Guidelines, 2015. Collection method: clinical testing. Allele origin: germline.

PreventionGenetics, part of Exact Sciences
Classification: Likely benign for SMARCD2-related condition. Last evaluated: 2024-09-05. Review status: no assertion criteria provided. Collection method: clinical testing. Allele origin: germline. Not counted in ClinVar's aggregate classification.
Comment: This variant is classified as likely benign based on ACMG/AMP sequence variant interpretation guidelines (Richards et al. 2015 PMID: 25741868, with internal and published modifications).